The following is an entry in ClinVar:

ClinVar aggregate classification (germline): Uncertain significance (0 of 4 stars; one submission).

Allele frequency attached by ClinVar (database versions not stated): TOPMed below 0.00001.

Submission:

Richard Lifton Laboratory, Yale University School of Medicine
Classification: Uncertain significance. Review status: no assertion criteria provided. Collection method: not provided. Allele origin: somatic.
Comment: C12orf26
ClinVar note: Converted during submission from unknown to Uncertain significance.

NM_032230.3(METTL25):c.208G>A (p.Glu70Lys)

Genes: CCDC59 (coiled-coil domain containing 59; minus strand), METTL25 (methyltransferase like 25; plus strand). Cytogenetic location: 12q21.31.
Variant type: single nucleotide variant.
Coding change: c.208G>A on transcript NM_032230.3 (MANE Select); coding-DNA position 208, G replaced by A.
Protein change: p.Glu70Lys; replaces glutamic acid 70 with lysine.
Molecular consequence: missense variant. On other transcripts: 5 prime UTR variant (2), non-coding transcript variant (5).
Genome position (GRCh38, 1-based): chr12:82,358,773, G>A. VCF-style: chr12-82358773-G-A. GRCh37 (hg19) VCF-style: chr12-82752552-G-A.
Other names: c.-123G>A (NM_001347934.2); c.-146G>A (NM_001319675.2); short protein forms E70K.
Identifiers: ClinVar variation 92017 (VCV000092017.2), dbSNP rs386352284, ClinGen allele CA232358.
Genomic context (GRCh38, chr12:82,358,773, plus strand): 5'-CTGGTCGACTTGCCACCGGAGACAGTGCTGGCTGCGCTGAGGAAGTCAGCGTCGGAGACG[G>A]AGGCCCTGCCCTCAGAGACGCGCCCCCTAGTGGAAGCAGAGTGGGAAGCAGGTGGGTGGT-3'
Protein context (NP_115606.2, residues 60-80): AALRKSASET[Glu70Lys]ALPSETRPLV